The following is an entry in ClinVar:

NM_004448.4(ERBB2):c.2520G>A (p.Arg840=)

Gene: ERBB2 (erb-b2 receptor tyrosine kinase 2; plus strand). Cytogenetic location: 17q12.
Variant type: single nucleotide variant.
Coding change: c.2520G>A on transcript NM_004448.4 (MANE Select); coding-DNA position 2520, G replaced by A.
Protein change: p.Arg840=; no amino-acid change (arginine 840 retained).
Molecular consequence: synonymous variant. On other transcripts: non-coding transcript variant (1), intron variant (3).
Genome position (GRCh38, 1-based): chr17:39,725,075, G>A. VCF-style: chr17-39725075-G-A. GRCh37 (hg19) VCF-style: chr17-37881328-G-A.
Other names: c.2430G>A, p.Arg810= (NM_001382783.1, NM_001005862.3, NM_001382782.1); c.2637G>A, p.Arg879= (NM_001382784.1); c.2622G>A, p.Arg874= (NM_001382785.1); c.2601G>A, p.Arg867= (NM_001382786.1); c.2595G>A, p.Arg865= (NM_001382787.1); c.2550G>A, p.Arg850= (NM_001382788.1); c.2541G>A, p.Arg847= (NM_001382789.1); c.2517G>A, p.Arg839= (NM_001382790.1); and 15 more.
Identifiers: ClinVar variation 132946 (VCV000132946.2), dbSNP rs104886011, ClinGen allele CA269845.

ClinVar aggregate classification (germline): not provided (0 of 4 stars; one submission).

Conditions:
Familial cancer of breast. Also called: BREAST CANCER, FAMILIAL; hereditary breast carcinoma; Hereditary breast cancer. Identifiers: Orphanet 227535, MedGen C0346153, MONDO:0016419, OMIM 114480. Disease mechanism: loss of function.

Allele frequency attached by ClinVar (database versions not stated): gnomAD exomes below 0.00001.
gnomAD v4.1: 1 of 1,614,196 alleles (0.000062%); no homozygotes.

Submission:

Laboratory of Translational Genomics,  National Cancer Institute
No classification provided. Condition: Familial cancer of breast. Review status: no classification provided. Collection method: not provided. Allele origin: somatic.
Comment: Breast Cancer specimen